The following is an entry in ClinVar:

NM_001267550.2(TTN):c.98098G>C (p.Glu32700Gln)

Genes: TTN-AS1 (TTN antisense RNA 1; plus strand), TTN (titin; minus strand). Cytogenetic location: 2q31.2.
Variant type: single nucleotide variant.
Coding change: c.98098G>C on transcript NM_001267550.2 (MANE Select); coding-DNA position 98098, G replaced by C.
Protein change: p.Glu32700Gln; replaces glutamic acid 32700 with glutamine.
Molecular consequence: missense variant.
Genome position (GRCh38, 1-based): chr2:178,540,068, C>G on the plus strand (G>C on the coding strand, the complement: TTN is on the minus strand). VCF-style: chr2-178540068-C-G. GRCh37 (hg19) VCF-style: chr2-179404795-C-G.
Other names: c.93175G>C, p.Glu31059Gln (NM_001256850.1); c.70903G>C, p.Glu23635Gln (NM_003319.4); c.90394G>C, p.Glu30132Gln (NM_133378.4); c.71278G>C, p.Glu23760Gln (NM_133432.3); c.71479G>C, p.Glu23827Gln (NM_133437.4); short protein forms E23635Q, E23760Q, E23827Q, E30132Q, E31059Q, E32700Q.
Identifiers: ClinVar variation 3759911 (VCV003759911.2).
Genomic context (GRCh38, chr2:178,540,068, plus strand): 5'-GGGGACTAAGAAATAAGTCTATGGCAATTATTGCAGAAAGCAAATGATCATATGTCTCAC[C>G]AAGCATTTCAGTGACTTTGACTGTTCCTGGTACCTCAGCAGGCTCACCAGGTCCACCAGC-3'
Protein context (NP_001254479.2, residues 32690-32710): PGTVKVTEML[Glu32700Gln]YPDYELDERY

ClinVar aggregate classification (germline): Uncertain significance (1 of 4 stars; one submission).

Conditions:
Dilated cardiomyopathy 1G (CMD1G). Identifiers: Orphanet 154, MedGen C1858763, MONDO:0011400, OMIM 604145.
Autosomal recessive limb-girdle muscular dystrophy type 2J (LGMDR10). Also called: Limb-girdle muscular dystrophy, type 2J; MUSCULAR DYSTROPHY, LIMB-GIRDLE, AUTOSOMAL RECESSIVE 10. Identifiers: Orphanet 140922, MedGen C1837342, MONDO:0012127, OMIM 608807.

Submission:

Labcorp Genetics (formerly Invitae), Labcorp
Classification: Uncertain significance for Dilated cardiomyopathy 1G; Autosomal recessive limb-girdle muscular dystrophy type 2J. Last evaluated: 2024-11-27. Review status: criteria provided, single submitter. Criteria: Invitae Variant Classification Sherloc (09022015). Collection method: clinical testing. Allele origin: germline.
Comment: This sequence change replaces glutamic acid, which is acidic and polar, with glutamine, which is neutral and polar, at codon 32700 of the TTN protein (p.Glu32700Gln). This variant also falls at the last nucleotide of exon 351, which is part of the consensus splice site for this exon. This variant is not present in population databases (gnomAD no frequency). This variant has not been reported in the literature in individuals affected with TTN-related conditions. Experimental studies and prediction algorithms are not available or were not evaluated, and the functional significance of this variant is currently unknown. Variants that disrupt the consensus splice site are a relatively common cause of aberrant splicing (PMID: 17576681, 9536098). Algorithms developed to predict the effect of sequence changes on RNA splicing suggest that this variant may disrupt the consensus splice site. This variant is located in the A band of TTN (PMID: 25589632). Variants in this region may be relevant for cardiac or neuromuscular disorders (PMID: 25589632, 23975875). In summary, the available evidence is currently insufficient to determine the role of this variant in disease. Therefore, it has been classified as a Variant of Uncertain Significance.

Literature cited by the submitters: PubMed 17576681; PubMed 9536098; PubMed 25589632; PubMed 23975875.